The following is an entry in ClinVar:

ClinVar aggregate classification (germline): Likely pathogenic (1 of 4 stars; one submission).

Conditions:
Inborn genetic diseases. Identifiers: MedGen C0950123, MeSH D030342.

Submission:

Ambry Genetics
Classification: Likely pathogenic for Inborn genetic diseases. Last evaluated: 2024-12-04. Review status: criteria provided, single submitter. Criteria: Ambry Variant Classification Scheme 2023. Collection method: clinical testing. Allele origin: germline.
Comment: The c.2546G>A (p.G849E) alteration is located in exon 32 (coding exon 32) of the COL4A1 gene. This alteration results from a G to A substitution at nucleotide position 2546, causing the glycine (G) at amino acid position 849 to be replaced by a glutamic acid (E). This variant was not reported in population-based cohorts in the Genome Aggregation Database (gnomAD). This amino acid position is highly conserved in available vertebrate species. The p.G849 amino acid is located within the triple-helical domain of the collagen IV alpha 1 chain, and this alteration affects one of the highly conserved glycine residues in the Gly-X-Y motif that make up this domain (Ramshaw, 1998). This alteration is predicted to be deleterious by in silico analysis. Based on the available evidence, this alteration is classified as likely pathogenic.

Literature cited by the submitters: PubMed 9724608.

NM_001845.6(COL4A1):c.2546G>A (p.Gly849Glu)

Gene: COL4A1 (collagen type IV alpha 1 chain; minus strand). Cytogenetic location: 13q34.
Variant type: single nucleotide variant.
Coding change: c.2546G>A on transcript NM_001845.6 (MANE Select); coding-DNA position 2546, G replaced by A.
Protein change: p.Gly849Glu; replaces glycine 849 with glutamic acid.
Molecular consequence: missense variant.
Genome position (GRCh38, 1-based): chr13:110,178,144, C>T on the plus strand (G>A on the coding strand, the complement: COL4A1 is on the minus strand). VCF-style: chr13-110178144-C-T. GRCh37 (hg19) VCF-style: chr13-110830491-C-T.
Other names: short protein forms G849E.
Identifiers: ClinVar variation 3147566 (VCV003147566.3), dbSNP rs2501780336, ClinGen allele CA388667869.